The following is an entry in ClinVar:

ClinVar aggregate classification (germline): Uncertain significance (1 of 4 stars; one submission).

Submission:

Labcorp Genetics (formerly Invitae), Labcorp
Classification: Uncertain significance. Last evaluated: 2019-12-03. Review status: criteria provided, single submitter. Criteria: Invitae Variant Classification Sherloc (09022015). Collection method: clinical testing. Allele origin: germline.
Comment: This variant has not been reported in the literature in individuals with COL4A4-related conditions. In summary, the available evidence is currently insufficient to determine the role of this variant in disease. Therefore, it has been classified as a Variant of Uncertain Significance. Algorithms developed to predict the effect of missense changes on protein structure and function are either unavailable or do not agree on the potential impact of this missense change (SIFT: "Deleterious"; PolyPhen-2: "Probably Damaging"; Align-GVGD: "Class C0"). This variant is not present in population databases (ExAC no frequency). This sequence change replaces glycine with arginine at codon 305 of the COL4A4 protein (p.Gly305Arg). The glycine residue is highly conserved and there is a moderate physicochemical difference between glycine and arginine.

NM_000092.5(COL4A4):c.913G>A (p.Gly305Arg)

Gene: COL4A4 (collagen type IV alpha 4 chain; minus strand). Cytogenetic location: 2q36.3.
Variant type: single nucleotide variant.
Coding change: c.913G>A on transcript NM_000092.5 (MANE Select); coding-DNA position 913, G replaced by A.
Protein change: p.Gly305Arg; replaces glycine 305 with arginine.
Molecular consequence: missense variant.
Genome position (GRCh38, 1-based): chr2:227,102,806, C>T on the plus strand (G>A on the coding strand, the complement: COL4A4 is on the minus strand). VCF-style: chr2-227102806-C-T. GRCh37 (hg19) VCF-style: chr2-227967522-C-T.
Other names: short protein forms G305R.
Identifiers: ClinVar variation 846926 (VCV000846926.9), dbSNP rs1045939403, ClinGen allele CA66561609.